The following is an entry in ClinVar:

NM_000249.3(MLH1):c.[453+625_545+921delinsTG;545+1271_677+737delinsCA]

Variant type: Haplotype.
Identifiers: ClinVar variation 90463 (VCV000090463.2).

ClinVar aggregate classification (germline): Pathogenic (3 of 4 stars; one submission).

Conditions:
Lynch syndrome. Identifiers: Orphanet 144, MedGen C4552100, MONDO:0005835. Disease mechanism: loss of function.

Submission:

International Society for Gastrointestinal Hereditary Tumours (InSiGHT)
Classification: Pathogenic for Lynch Syndrome. Last evaluated: 2013-09-05. Review status: reviewed by expert panel. Criteria: Guidelines v1.9. Collection method: research. Allele origin: germline.
Comment: Large deletion

Classified with v1.9 guidelines